The following is an entry in ClinVar:

ClinVar aggregate classification (germline): Likely pathogenic (1 of 4 stars; one submission).

Conditions:
Myofibrillar myopathy 4. Also called: Zaspopathy (type). Identifiers: Orphanet 98912, MedGen C4721886, MONDO:0012277, OMIM 609452.

Allele frequency attached by ClinVar (database versions not stated): TOPMed 0.00001.

Submission:

Labcorp Genetics (formerly Invitae), Labcorp
Classification: Likely pathogenic for Myofibrillar myopathy 4. Last evaluated: 2024-04-22. Review status: criteria provided, single submitter. Criteria: Invitae Variant Classification Sherloc (09022015). Collection method: clinical testing. Allele origin: germline.
Comment: The LDB3 gene has multiple clinically relevant transcripts. This variant occurs in alternate transcript NM_007078.3, and corresponds to NM_001080116.1:c.549-2A>G in the primary transcript. This sequence change affects an acceptor splice site in intron 5 of the LDB3 gene. It is expected to disrupt RNA splicing on both transcripts. Variants that disrupt the donor or acceptor splice site typically lead to a loss of protein function (PMID: 16199547); however, loss-of-function variants in LDB3 are only known to be pathogenic in the alternate transcript (PMID: 36253531). This variant is not present in population databases (gnomAD no frequency). This variant has not been reported in the literature in individuals affected with LDB3-related conditions. ClinVar contains an entry for this variant (Variation ID: 406801). Algorithms developed to predict the effect of sequence changes on RNA splicing suggest that this variant may disrupt the consensus splice site. In summary, the currently available evidence indicates that the variant is pathogenic, but additional data are needed to prove that conclusively. Therefore, this variant has been classified as Likely Pathogenic.

Literature cited by the submitters: PubMed 16199547; PubMed 36253531.

NM_007078.3(LDB3):c.690-2A>G

Gene: LDB3 (LIM domain binding 3; plus strand). Cytogenetic location: 10q23.2.
Variant type: single nucleotide variant.
Coding change: c.690-2A>G on transcript NM_007078.3 (MANE Select); the canonical splice acceptor site of the intron before coding-DNA position 690, A replaced by G.
Molecular consequence: splice acceptor variant.
Genome position (GRCh38, 1-based): chr10:86,691,894, A>G. VCF-style: chr10-86691894-A-G. GRCh37 (hg19) VCF-style: chr10-88451651-A-G.
Other names: c.690-2A>G (NM_001368064.1, NM_001368063.1, NM_001368065.1 and 1 more transcripts); c.549-2A>G (NM_001368068.1, NM_001368066.1, NM_001080114.2 and 2 more transcripts); c.894-2A>G (NM_001171610.2, NM_001171611.2).
Identifiers: ClinVar variation 406801 (VCV000406801.9), dbSNP rs1060501315, ClinGen allele CA16612956.